The following is an entry in ClinVar:

ClinVar aggregate classification (germline): Likely benign. Review status: criteria provided, multiple submitters, no conflicts (2 of 4 stars). 2 submissions from 2 submitters: Likely benign (2). Last evaluated 2025-05-07.

Conditions:
HADHA-related disorder. Also called: HADHA-related condition; HADHA-related disorders.
Mitochondrial trifunctional protein deficiency. Identifiers: Orphanet 746, MedGen C1969443, MONDO:0012172.
Long chain 3-hydroxyacyl-CoA dehydrogenase deficiency. Also called: Deficiency of long-chain 3-hydroxyacyl-coenzyme A dehydrogenase; LCHAD Deficiency. Identifiers: Orphanet 5, MedGen C3711645, MONDO:0012173, OMIM 609016.

Allele frequency attached by ClinVar (database versions not stated): ExAC 0.00001; gnomAD exomes 0.00001; gnomAD 0.00003.
gnomAD v4.1: 11 of 1,607,684 alleles (0.00068%); highest among the groups gnomAD compares: East Asian, 0.0022%; no homozygotes.

Submissions (2):

PreventionGenetics, part of Exact Sciences
Classification: Likely benign for HADHA-related condition. Last evaluated: 2025-05-07. Review status: criteria provided, single submitter. Criteria: ACMG Guidelines, 2015. Collection method: clinical testing. Allele origin: germline.
Comment: This variant is classified as likely benign based on ACMG/AMP sequence variant interpretation guidelines (Richards et al. 2015 PMID: 25741868, with internal and published modifications).

Labcorp Genetics (formerly Invitae), Labcorp
Classification: Likely benign for Mitochondrial trifunctional protein deficiency; Long chain 3-hydroxyacyl-CoA dehydrogenase deficiency. Last evaluated: 2025-01-23. Review status: criteria provided, single submitter. Criteria: Invitae Variant Classification Sherloc (09022015). Collection method: clinical testing. Allele origin: germline.

NM_000182.5(HADHA):c.1923G>A (p.Glu641=)

Genes: GAREM2 (GRB2 associated regulator of MAPK1 subtype 2; plus strand), HADHA (hydroxyacyl-CoA dehydrogenase trifunctional multienzyme complex subunit alpha; minus strand). Cytogenetic location: 2p23.3.
Variant type: single nucleotide variant.
Coding change: c.1923G>A on transcript NM_000182.5 (MANE Select); coding-DNA position 1923, G replaced by A.
Protein change: p.Glu641=; no amino-acid change (glutamic acid 641 retained).
Molecular consequence: synonymous variant.
Genome position (GRCh38, 1-based): chr2:26,192,387, C>T on the plus strand (G>A on the coding strand, the complement: HADHA is on the minus strand). VCF-style: chr2-26192387-C-T. GRCh37 (hg19) VCF-style: chr2-26415256-C-T.
Other names: c.1923G>A (NM_000182.4).
Identifiers: ClinVar variation 1125620 (VCV001125620.10), dbSNP rs754472544, ClinGen allele CA1559417.